The following is an entry in ClinVar:

NM_000038.6(APC):c.983A>T (p.Asp328Val)

Gene: APC (APC regulator of Wnt signaling pathway; plus strand). Cytogenetic location: 5q22.2.
Variant type: single nucleotide variant.
Coding change: c.983A>T on transcript NM_000038.6 (MANE Select); coding-DNA position 983, A replaced by T.
Protein change: p.Asp328Val; replaces aspartic acid 328 with valine.
Molecular consequence: missense variant. On other transcripts: non-coding transcript variant (2), intron variant (15).
Genome position (GRCh38, 1-based): chr5:112,819,015, A>T. VCF-style: chr5-112819015-A-T. GRCh37 (hg19) VCF-style: chr5-112154712-A-T.
Other names: c.983A>T, p.Asp328Val (NM_001127510.3, NM_001354895.2, NM_001354896.2 and 4 more transcripts); c.929A>T, p.Asp310Val (NM_001127511.3); c.1013A>T, p.Asp338Val (NM_001354897.2, NM_001407446.1); c.908A>T, p.Asp303Val (NM_001354898.2, NM_001407451.1); c.899A>T, p.Asp300Val (NM_001354899.2, NM_001407452.1); c.806A>T, p.Asp269Val (NM_001354900.2, NM_001354901.2, NM_001407453.1); c.134A>T, p.Asp45Val (NM_001354906.2, NM_001407470.1); c.85-254A>T (NM_001407472.1, NM_001407471.1); and 5 more; short protein forms D269V, D303V, D328V, D45V, D310V, D300V, D338V.
Identifiers: ClinVar variation 3929648 (VCV003929648.2).

ClinVar aggregate classification (germline): Uncertain significance. Review status: criteria provided, multiple submitters, no conflicts (2 of 4 stars). 2 submissions from 2 submitters: Uncertain significance (2). Last evaluated 2025-05-25.

Conditions:
Familial adenomatous polyposis 1 (FAP1). Also called: FAMILIAL ADENOMATOUS POLYPOSIS 1, ATTENUATED; POLYPOSIS, ADENOMATOUS INTESTINAL. Identifiers: MedGen C2713442, MONDO:0021056, OMIM 175100. Disease mechanism: loss of function.
Hereditary cancer-predisposing syndrome. Also called: Hereditary Cancer Syndrome; Hereditary neoplastic syndrome; Neoplastic Syndromes, Hereditary; Tumor predisposition. Identifiers: Orphanet 140162, MedGen C0027672, MeSH D009386, MONDO:0015356.

Submissions (2):

Ambry Genetics
Classification: Uncertain significance for Hereditary cancer-predisposing syndrome. Last evaluated: 2025-05-25. Review status: criteria provided, single submitter. Criteria: Ambry Variant Classification Scheme 2023. Collection method: clinical testing. Allele origin: germline.
Comment: The p.D328V variant (also known as c.983A>T), located in coding exon 9 of the APC gene, results from an A to T substitution at nucleotide position 983. The aspartic acid at codon 328 is replaced by valine, an amino acid with highly dissimilar properties. This amino acid position is conserved. In addition, in silico predictors for this gene do not accurately predict pathogenicity. Based on the available evidence, the clinical significance of this variant remains unclear.

Labcorp Genetics (formerly Invitae), Labcorp
Classification: Uncertain significance for Familial adenomatous polyposis 1. Last evaluated: 2025-04-20. Review status: criteria provided, single submitter. Criteria: Invitae Variant Classification Sherloc (09022015). Collection method: clinical testing. Allele origin: germline.
Comment: This sequence change replaces aspartic acid, which is acidic and polar, with valine, which is neutral and non-polar, at codon 328 of the APC protein (p.Asp328Val). This variant is not present in population databases (gnomAD no frequency). This variant has not been reported in the literature in individuals affected with APC-related conditions. Invitae Evidence Modeling of protein sequence and biophysical properties (such as structural, functional, and spatial information, amino acid conservation, physicochemical variation, residue mobility, and thermodynamic stability) has been performed for this missense variant. However, the output from this modeling did not meet the statistical confidence thresholds required to predict the impact of this variant on APC protein function. In summary, the available evidence is currently insufficient to determine the role of this variant in disease. Therefore, it has been classified as a Variant of Uncertain Significance.